The following is an entry in ClinVar:

ClinVar aggregate classification (germline): Pathogenic/Likely pathogenic. Review status: criteria provided, multiple submitters, no conflicts (2 of 4 stars). 3 submissions from 3 submitters: Pathogenic (1); Likely pathogenic (2). Last evaluated 2025-01-13.

Conditions:
Baller-Gerold syndrome (BGS). Also called: CRANIOSYNOSTOSIS WITH RADIAL DEFECTS. Identifiers: Orphanet 1225, MedGen C0265308, MONDO:0009039, OMIM 218600.
RECQL4-related disorder. Also called: RECQL4-related condition; RECQL4-related disorders.

Submissions (3):

PreventionGenetics, part of Exact Sciences
Classification: Likely pathogenic for RECQL4-related condition. Last evaluated: 2025-01-13. Review status: criteria provided, single submitter. Criteria: ACMG Guidelines, 2015. Collection method: clinical testing. Allele origin: germline.
Comment: The RECQL4 c.2211dupC variant is predicted to result in a frameshift and premature protein termination (p.Lys738Glnfs*71). This variant has been reported in an individual with Rothmund-Thomson syndrome and an individual with pancreatic adenocarcinoma; however, neither individual carried a second RECQL4 variant (referred to as g.4282insC, Wang et al. 2003. PubMed ID: 12734318; Supplementary Table S4, Roggia et al. 2023. PubMed ID: 36495689). This variant is reported in 0.0065% of alleles in individuals of European (non-Finnish) descent in gnomAD. Frameshift variants in RECQL4 are expected to be pathogenic. This variant is interpreted as likely pathogenic.

Labcorp Genetics (formerly Invitae), Labcorp
Classification: Pathogenic for Baller-Gerold syndrome. Last evaluated: 2022-10-14. Review status: criteria provided, single submitter. Criteria: Invitae Variant Classification Sherloc (09022015). Collection method: clinical testing. Allele origin: germline.
Comment: For these reasons, this variant has been classified as Pathogenic. ClinVar contains an entry for this variant (Variation ID: 1457315). This sequence change creates a premature translational stop signal (p.Lys738Glnfs*71) in the RECQL4 gene. It is expected to result in an absent or disrupted protein product. Loss-of-function variants in RECQL4 are known to be pathogenic (PMID: 12734318, 12952869). This variant is present in population databases (no rsID available, gnomAD 0.007%). This premature translational stop signal has been observed in individual(s) with Rothmund-Thomson syndrome (RTS) (PMID: 12734318). This variant is also known as g.4282insC.

CeGaT Center for Human Genetics Tuebingen
Classification: Likely pathogenic. Last evaluated: 2022-05-01. Review status: criteria provided, single submitter. Criteria: CeGaT Center For Human Genetics Tuebingen Variant Classification Criteria Version 2. Collection method: clinical testing. Allele origin: germline. Affected: yes. Observed: 1 variant allele.
Comment: RECQL4: PVS1:Strong, PM2

Literature cited by the submitters: PubMed 12734318 (cited by Labcorp Genetics (formerly Invitae), Labcorp); PubMed 12952869 (cited by Labcorp Genetics (formerly Invitae), Labcorp).

NM_004260.4(RECQL4):c.2211dup (p.Lys738fs)

Gene: RECQL4 (RecQ like helicase 4; minus strand). Cytogenetic location: 8q24.3.
Variant type: Duplication.
Coding change: c.2211dup on transcript NM_004260.4 (MANE Select); coding-DNA position 2211, one base duplicated (C; older notation c.2211dupC).
Protein change: p.Lys738fs; shifts the reading frame from lysine 738.
Molecular consequence: frameshift variant.
Genome position (GRCh38, 1-based): chr8:144,513,470, G duplicated on the plus strand (C on the coding strand, the reverse complement: RECQL4 is on the minus strand); the first of 5 consecutive G bases (chr8:144,513,470-144,513,474); duplicating any one gives the same sequence. VCF-style (leftmost placement, unchanged base first): chr8-144513469-T-TG. GRCh37 (hg19) VCF-style: chr8-145738853-T-TG.
Other names: c.2211dupC (NM_004260.3); short protein forms K738fs.
Identifiers: ClinVar variation 1457315 (VCV001457315.40), dbSNP rs1263096303, ClinGen allele CA586165247.